The following is an entry in ClinVar:

ClinVar aggregate classification (germline): Likely benign (1 of 4 stars; one submission).

gnomAD v4.1: 167 of 1,613,828 alleles (0.01%); highest among the groups gnomAD compares: South Asian, 0.041%; no homozygotes.

Submission:

CeGaT Center for Human Genetics Tuebingen
Classification: Likely benign. Last evaluated: 2026-07-01. Review status: criteria provided, single submitter. Criteria: CeGaT Center For Human Genetics Tuebingen Variant Classification Criteria Version 2. Collection method: clinical testing. Allele origin: germline. Affected: yes. Observed: 1 variant allele.
Comment: CUX2: BP4

NM_015267.4(CUX2):c.4039G>A (p.Gly1347Arg)

Gene: CUX2 (cut like homeobox 2; plus strand). Cytogenetic location: 12q24.12.
Variant type: single nucleotide variant.
Coding change: c.4039G>A on transcript NM_015267.4 (MANE Select); coding-DNA position 4039, G replaced by A.
Protein change: p.Gly1347Arg; replaces glycine 1347 with arginine.
Molecular consequence: missense variant.
Genome position (GRCh38, 1-based): chr12:111,347,903, G>A. VCF-style: chr12-111347903-G-A. GRCh37 (hg19) VCF-style: chr12-111785707-G-A.
Other names: c.3853G>A, p.Gly1285Arg (NM_001370598.1); short protein forms G1285R, G1347R.
Identifiers: ClinVar variation 5039298 (VCV005039298.1).